The following is an entry in ClinVar:

ClinVar aggregate classification (germline): Pathogenic (1 of 4 stars; one submission).

Submission:

Labcorp Genetics (formerly Invitae), Labcorp
Classification: Pathogenic. Last evaluated: 2024-06-03. Review status: criteria provided, single submitter. Criteria: Invitae Variant Classification Sherloc (09022015). Collection method: clinical testing. Allele origin: germline.
Comment: This sequence change creates a premature translational stop signal (p.Gly394Valfs*80) in the COL4A5 gene. It is expected to result in an absent or disrupted protein product. Loss-of-function variants in COL4A5 are known to be pathogenic (PMID: 9195222, 10752524, 14514738, 24854265, 26809805). This variant is not present in population databases (gnomAD no frequency). This variant has not been reported in the literature in individuals affected with COL4A5-related conditions. ClinVar contains an entry for this variant (Variation ID: 2138690). For these reasons, this variant has been classified as Pathogenic.

Literature cited by the submitters: PubMed 9195222; PubMed 10752524; PubMed 14514738; PubMed 24854265; PubMed 26809805.

NM_033380.3(COL4A5):c.1181del (p.Gly394fs)

Gene: COL4A5 (collagen type IV alpha 5 chain; plus strand). Cytogenetic location: Xq22.3.
Variant type: Deletion.
Coding change: c.1181del on transcript NM_033380.3 (MANE Select); coding-DNA position 1181, one base deleted (G; older notation c.1181delG).
Protein change: p.Gly394fs; shifts the reading frame from glycine 394.
Molecular consequence: frameshift variant.
Genome position (GRCh38, 1-based): chrX:108,591,073, G deleted; the last of 3 consecutive G bases (chrX:108,591,071-108,591,073); deleting any one gives the same sequence. VCF-style (leftmost placement, unchanged base first): chrX-108591070-TG-T. GRCh37 (hg19) VCF-style: chrX-107834300-TG-T.
Other names: c.1181del, p.Gly394fs (NM_000495.5); short protein forms G394fs.
Identifiers: ClinVar variation 2138690 (VCV002138690.4), dbSNP rs281874658, ClinGen allele CA258416.